The following is an entry in ClinVar:

NM_017636.4(TRPM4):c.2083C>T (p.Leu695Phe)

Gene: TRPM4 (transient receptor potential cation channel subfamily M member 4; plus strand). Cytogenetic location: 19q13.33.
Variant type: single nucleotide variant.
Coding change: c.2083C>T on transcript NM_017636.4 (MANE Select); coding-DNA position 2083, C replaced by T.
Protein change: p.Leu695Phe; replaces leucine 695 with phenylalanine.
Molecular consequence: missense variant.
Genome position (GRCh38, 1-based): chr19:49,190,271, C>T. VCF-style: chr19-49190271-C-T. GRCh37 (hg19) VCF-style: chr19-49693528-C-T.
Other names: c.2083C>T, p.Leu695Phe (NM_001195227.2); c.1738C>T, p.Leu580Phe (NM_001321281.2); c.475C>T, p.Leu159Phe (NM_001321282.2); c.1561C>T, p.Leu521Phe (NM_001321283.2); c.1021C>T, p.Leu341Phe (NM_001321285.2); short protein forms L580F, L521F, L159F, L341F, L695F.
Identifiers: ClinVar variation 4730091 (VCV004730091.1).

ClinVar aggregate classification (germline): Uncertain significance (1 of 4 stars; one submission).

Conditions:
Progressive familial heart block type IB (PFHB1B). Identifiers: Orphanet 871, MedGen C1970298, MONDO:0011474, OMIM 604559.

gnomAD v4.1: 2 of 1,613,714 alleles (0.00012%); highest among the groups gnomAD compares: Non-Finnish European, 0.00017%; no homozygotes.

Submission:

Labcorp Genetics (formerly Invitae), Labcorp
Classification: Uncertain significance for Progressive familial heart block type IB. Last evaluated: 2025-10-28. Review status: criteria provided, single submitter. Criteria: Invitae Variant Classification Sherloc (09022015). Collection method: clinical testing. Allele origin: germline.
Comment: This sequence change replaces leucine, which is neutral and non-polar, with phenylalanine, which is neutral and non-polar, at codon 695 of the TRPM4 protein (p.Leu695Phe). This variant is not present in population databases (gnomAD no frequency). This variant has not been reported in the literature in individuals affected with TRPM4-related conditions. An algorithm developed to predict the effect of missense changes on protein structure and function (PolyPhen-2) suggests that this variant is likely to be disruptive. In summary, the available evidence is currently insufficient to determine the role of this variant in disease. Therefore, it has been classified as a Variant of Uncertain Significance.